The following is an entry in ClinVar:

NM_000465.4(BARD1):c.390A>C (p.Lys130Asn)

Gene: BARD1 (BRCA1 associated RING domain 1; minus strand). Cytogenetic location: 2q35.
Variant type: single nucleotide variant.
Coding change: c.390A>C on transcript NM_000465.4 (MANE Select); coding-DNA position 390, A replaced by C.
Protein change: p.Lys130Asn; replaces lysine 130 with asparagine.
Molecular consequence: missense variant. On other transcripts: non-coding transcript variant (2), intron variant (3).
Genome position (GRCh38, 1-based): chr2:214,781,484, T>G on the plus strand (A>C on the coding strand, the complement: BARD1 is on the minus strand). VCF-style: chr2-214781484-T-G. GRCh37 (hg19) VCF-style: chr2-215646208-T-G.
Other names: c.333A>C, p.Lys111Asn (NM_001282543.2); c.158+27928A>C (NM_001282548.2); c.215+15577A>C (NM_001282545.2); c.364+10813A>C (NM_001282549.2); short protein forms K130N, K111N.
Identifiers: ClinVar variation 661277 (VCV000661277.9), dbSNP rs554652893, ClinGen allele CA350458196.
Genomic context (GRCh38, chr2:214,781,484, plus strand): 5'-TCGAGGGCTAAACCACATTTTAATTGAATTCTTCTTGTTTCCTGCATCATTAAACAAACT[T>G]TTCCTAGGTTTATCTTCTTTCAAATCTGACAGAAAAAAAGAAAAAGAAATCTGTTACATG-3'
Protein context (NP_000456.2, residues 120-140): LSDLKEDKPR[Lys130Asn]SLFNDAGNKK

ClinVar aggregate classification (germline): Uncertain significance (1 of 4 stars; one submission).

Conditions:
Familial cancer of breast. Also called: BREAST CANCER, FAMILIAL; hereditary breast carcinoma; Hereditary breast cancer. Identifiers: Orphanet 227535, MedGen C0346153, MONDO:0016419, OMIM 114480. Disease mechanism: loss of function.

Allele frequency attached by ClinVar (database versions not stated): gnomAD exomes below 0.00001.
gnomAD v4.1: 2 of 1,611,604 alleles (0.00012%); highest among the groups gnomAD compares: Non-Finnish European, 0.00017%; no homozygotes.

Submission:

Labcorp Genetics (formerly Invitae), Labcorp
Classification: Uncertain significance for Familial cancer of breast. Last evaluated: 2018-10-29. Review status: criteria provided, single submitter. Criteria: Invitae Variant Classification Sherloc (09022015). Collection method: clinical testing. Allele origin: germline.
Comment: This sequence change replaces lysine with asparagine at codon 130 of the BARD1 protein (p.Lys130Asn). The lysine residue is weakly conserved and there is a moderate physicochemical difference between lysine and asparagine. In summary, the available evidence is currently insufficient to determine the role of this variant in disease. Therefore, it has been classified as a Variant of Uncertain Significance. Algorithms developed to predict the effect of missense changes on protein structure and function (SIFT, PolyPhen-2, Align-GVGD) all suggest that this variant is likely to be tolerated, but these predictions have not been confirmed by published functional studies and their clinical significance is uncertain. This variant has not been reported in the literature in individuals with BARD1-related disease. This variant is not present in population databases (ExAC no frequency).